The following is an entry in ClinVar:

ClinVar aggregate classification (germline): Uncertain significance (1 of 4 stars; one submission).

Conditions:
Rafiq syndrome (RAFQS). Identifiers: Orphanet 88616, MedGen C3280127, MONDO:0013624, OMIM 614202.

Allele frequency attached by ClinVar (database versions not stated): gnomAD exomes below 0.00001; gnomAD 0.00001; TOPMed 0.00003.

Submission:

Labcorp Genetics (formerly Invitae), Labcorp
Classification: Uncertain significance for Rafiq syndrome. Last evaluated: 2022-09-07. Review status: criteria provided, single submitter. Criteria: Invitae Variant Classification Sherloc (09022015). Collection method: clinical testing. Allele origin: germline.
Comment: This sequence change replaces valine, which is neutral and non-polar, with alanine, which is neutral and non-polar, at codon 52 of the MAN1B1 protein (p.Val52Ala). This variant is not present in population databases (gnomAD no frequency). This variant has not been reported in the literature in individuals affected with MAN1B1-related conditions. Algorithms developed to predict the effect of missense changes on protein structure and function are either unavailable or do not agree on the potential impact of this missense change (SIFT: "Tolerated"; PolyPhen-2: "Possibly Damaging"; Align-GVGD: "Class C0"). In summary, the available evidence is currently insufficient to determine the role of this variant in disease. Therefore, it has been classified as a Variant of Uncertain Significance.

NM_016219.5(MAN1B1):c.155T>C (p.Val52Ala)

Genes: MAN1B1 (mannosidase alpha class 1B member 1; plus strand), LOC130003079 (ATAC-STARR-seq lymphoblastoid silent region 20579; plus strand). Cytogenetic location: 9q34.3.
Variant type: single nucleotide variant.
Coding change: c.155T>C on transcript NM_016219.5 (MANE Select); coding-DNA position 155, T replaced by C.
Protein change: p.Val52Ala; replaces valine 52 with alanine.
Molecular consequence: missense variant. On other transcripts: non-coding transcript variant (2).
Genome position (GRCh38, 1-based): chr9:137,087,154, T>C. VCF-style: chr9-137087154-T-C. GRCh37 (hg19) VCF-style: chr9-139981606-T-C.
Other names: c.47T>C, p.Val16Ala (NM_007230.1); short protein forms V16A, V52A.
Identifiers: ClinVar variation 1955910 (VCV001955910.5), dbSNP rs1486211686, ClinGen allele CA375671434.